The following is an entry in ClinVar:

NM_001276270.2(MBD4):c.409A>C (p.Lys137Gln)

Gene: MBD4 (methyl-CpG binding domain 4, DNA glycosylase; minus strand). Cytogenetic location: 3q21.3.
Variant type: single nucleotide variant.
Coding change: c.409A>C on transcript NM_001276270.2 (MANE Select); coding-DNA position 409, A replaced by C.
Protein change: p.Lys137Gln; replaces lysine 137 with glutamine.
Molecular consequence: missense variant. On other transcripts: intron variant (1).
Genome position (GRCh38, 1-based): chr3:129,437,235, T>G on the plus strand (A>C on the coding strand, the complement: MBD4 is on the minus strand). VCF-style: chr3-129437235-T-G. GRCh37 (hg19) VCF-style: chr3-129156078-T-G.
Other names: c.409A>C, p.Lys137Gln (NM_001276271.2, NM_001276272.2, NM_003925.3); c.247+573A>C (NM_001276273.2); short protein forms K137Q.
Identifiers: ClinVar variation 4720336 (VCV004720336.1).

ClinVar aggregate classification (germline): Uncertain significance (1 of 4 stars; one submission).

Submission:

Labcorp Genetics (formerly Invitae), Labcorp
Classification: Uncertain significance. Last evaluated: 2025-08-01. Review status: criteria provided, single submitter. Criteria: Invitae Variant Classification Sherloc (09022015). Collection method: clinical testing. Allele origin: germline.
Comment: This sequence change replaces lysine, which is basic and polar, with glutamine, which is neutral and polar, at codon 137 of the MBD4 protein (p.Lys137Gln). This variant is not present in population databases (gnomAD no frequency). This variant has not been reported in the literature in individuals affected with MBD4-related conditions. An algorithm developed to predict the effect of missense changes on protein structure and function outputs the following: PolyPhen-2: "Benign". The glutamine amino acid residue is found in multiple mammalian species, which suggests that this missense change does not adversely affect protein function. In summary, the available evidence is currently insufficient to determine the role of this variant in disease. Therefore, it has been classified as a Variant of Uncertain Significance.